The following is an entry in ClinVar:

NM_001363711.2(DUOX2):c.1214T>C (p.Ile405Thr)

Gene: DUOX2 (dual oxidase 2; minus strand). Cytogenetic location: 15q21.1.
Variant type: single nucleotide variant.
Coding change: c.1214T>C on transcript NM_001363711.2 (MANE Select); coding-DNA position 1214, T replaced by C.
Protein change: p.Ile405Thr; replaces isoleucine 405 with threonine.
Molecular consequence: missense variant.
Genome position (GRCh38, 1-based): chr15:45,109,544, A>G on the plus strand (T>C on the coding strand, the complement: DUOX2 is on the minus strand). VCF-style: chr15-45109544-A-G. GRCh37 (hg19) VCF-style: chr15-45401742-A-G.
Other names: c.1214T>C, p.Ile405Thr (NM_014080.5); short protein forms I405T.
Identifiers: ClinVar variation 1956019 (VCV001956019.5), dbSNP rs1894321608, ClinGen allele CA392277116.
Genomic context (GRCh38, chr15:45,109,544, plus strand): 5'-CTGGTCCCTTACCATCCACCCCTTCTGGCTCTGAGCTCACCCCTCAGATCTTCAACCACT[A>G]TGTTGTCCTCCAACTCCGAAATCTGGGAGGCCATTCCCAGCAGCAGCTCATTCACCTCCT-3'
Protein context (NP_001350640.1, residues 395-415): ASQISELEDN[Ile405Thr]VVEDLRDYWP

ClinVar aggregate classification (germline): Uncertain significance (1 of 4 stars; one submission).

gnomAD v4.1: 5 of 1,613,918 alleles (0.00031%); highest among the groups gnomAD compares: South Asian, 0.0033%; no homozygotes.

Submission:

Labcorp Genetics (formerly Invitae), Labcorp
Classification: Uncertain significance. Last evaluated: 2024-04-02. Review status: criteria provided, single submitter. Criteria: Invitae Variant Classification Sherloc (09022015). Collection method: clinical testing. Allele origin: germline.
Comment: This sequence change replaces isoleucine, which is neutral and non-polar, with threonine, which is neutral and polar, at codon 405 of the DUOX2 protein (p.Ile405Thr). This variant is not present in population databases (gnomAD no frequency). This variant has not been reported in the literature in individuals affected with DUOX2-related conditions. ClinVar contains an entry for this variant (Variation ID: 1956019). Advanced modeling of protein sequence and biophysical properties (such as structural, functional, and spatial information, amino acid conservation, physicochemical variation, residue mobility, and thermodynamic stability) performed at Invitae indicates that this missense variant is not expected to disrupt DUOX2 protein function with a negative predictive value of 80%. In summary, the available evidence is currently insufficient to determine the role of this variant in disease. Therefore, it has been classified as a Variant of Uncertain Significance.